The following is an entry in ClinVar:

ClinVar aggregate classification (germline): Pathogenic/Likely pathogenic. Review status: criteria provided, multiple submitters, no conflicts (2 of 4 stars). 3 submissions from 3 submitters: Pathogenic (2); Likely pathogenic (1). Last evaluated 2026-01-06.

Conditions:
Cardiovascular phenotype. Identifiers: MedGen CN230736.

Allele frequency attached by ClinVar (database versions not stated): gnomAD exomes 0.00001; TOPMed 0.00001; ESP Exome Variant Server 0.00008.
gnomAD v4.1: 17 of 1,614,222 alleles (0.0011%); highest among the groups gnomAD compares: Non-Finnish European, 0.0014%; no homozygotes.

Submissions (3):

Labcorp Genetics (formerly Invitae), Labcorp
Classification: Pathogenic. Last evaluated: 2026-01-06. Review status: criteria provided, single submitter. Criteria: Invitae Variant Classification Sherloc (09022015). Collection method: clinical testing. Allele origin: germline.
Comment: This sequence change creates a premature translational stop signal (p.Gln271*) in the ABCG8 gene. It is expected to result in an absent or disrupted protein product. Loss-of-function variants in ABCG8 are known to be pathogenic (PMID: 11452359, 15375183, 16029460). This variant is present in population databases (rs371646728, gnomAD 0.002%). This premature translational stop signal has been observed in individual(s) with clinical features of sitosterolemia (PMID: 16029460). ClinVar contains an entry for this variant (Variation ID: 1677645). For these reasons, this variant has been classified as Pathogenic.

Ambry Genetics
Classification: Pathogenic for Cardiovascular phenotype. Last evaluated: 2025-07-17. Review status: criteria provided, single submitter. Criteria: Ambry Variant Classification Scheme 2023. Collection method: clinical testing. Allele origin: germline.
Comment: The p.Q271* pathogenic mutation (also known as c.811C>T), located in coding exon 6 of the ABCG8 gene, results from a C to T substitution at nucleotide position 811. This changes the amino acid from a glutamine to a stop codon within coding exon 6. This variant was reported as a compound heterozygote in individual(s) with features consistent with sitosterolemia (Rees DC et al. Br J Haematol, 2005 Jul;130:297-309). This variant is considered to be rare based on population cohorts in the Genome Aggregation Database (gnomAD). This alteration is expected to result in loss of function by premature protein truncation or nonsense-mediated mRNA decay. As such, this alteration is interpreted as a disease-causing mutation.

AiLife Diagnostics
Classification: Likely pathogenic. Last evaluated: 2021-11-18. Review status: criteria provided, single submitter. Criteria: ACMG Guidelines, 2015. Collection method: clinical testing. Allele origin: germline. Affected: yes. Observed: 1 variant allele.

Literature cited by the submitters: PubMed 11452359 (cited by Labcorp Genetics (formerly Invitae), Labcorp); PubMed 15375183 (cited by Labcorp Genetics (formerly Invitae), Labcorp); PubMed 16029460 (cited by 3 submitters).

NM_022437.3(ABCG8):c.811C>T (p.Gln271Ter)

Gene: ABCG8 (ATP binding cassette subfamily G member 8; plus strand). Cytogenetic location: 2p21.
Variant type: single nucleotide variant.
Coding change: c.811C>T on transcript NM_022437.3 (MANE Select); coding-DNA position 811, C replaced by T.
Protein change: p.Gln271Ter; replaces glutamine 271 with a stop codon.
Molecular consequence: nonsense.
Genome position (GRCh38, 1-based): chr2:43,852,715, C>T. VCF-style: chr2-43852715-C-T. GRCh37 (hg19) VCF-style: chr2-44079854-C-T.
Other names: c.811C>T, p.Gln271Ter (NM_001357321.2); c.811C>T (NM_022437.2); short protein forms Q271*.
Identifiers: ClinVar variation 1677645 (VCV001677645.3), dbSNP rs371646728, ClinGen allele CA46441648.
Genomic context (GRCh38, chr2:43,852,715, plus strand): 5'-CTGGTGAAGACCTTGTCCAGGCTGGCCAAAGGCAACCGGCTGGTGCTCATCTCCCTCCAC[C>T]AGCCTCGCTCTGACATCTTCAGGCTGTTTGATCTGGTCCTCCTGATGACGTCTGGCACCC-3'